The following is an entry in ClinVar:

ClinVar aggregate classification (germline): Uncertain significance. Review status: criteria provided, multiple submitters, no conflicts (2 of 4 stars). 2 submissions from 2 submitters: Uncertain significance (2). Last evaluated 2025-10-26.

Conditions:
Cornelia de Lange syndrome 1 (CDLS1). Also called: Brachmann de Lange syndrome; TYPUS DEGENERATIVUS AMSTELODAMENSIS; NIPBL-Related Cornelia de Lange Syndrome. Identifiers: Orphanet 199, MedGen C4551851, MONDO:0007387, OMIM 122470.

Allele frequency attached by ClinVar (database versions not stated): gnomAD 0.00001; gnomAD exomes 0.00001 and 0.00002; ExAC 0.00002; TOPMed 0.00002; ESP Exome Variant Server 0.00008.
gnomAD v4.1: 19 of 1,613,690 alleles (0.0012%); highest among the groups gnomAD compares: Middle Eastern, 0.033%; no homozygotes.

Submissions (2):

Labcorp Genetics (formerly Invitae), Labcorp
Classification: Uncertain significance for Cornelia de Lange syndrome 1. Last evaluated: 2025-10-26. Review status: criteria provided, single submitter. Criteria: Invitae Variant Classification Sherloc (09022015). Collection method: clinical testing. Allele origin: germline.
Comment: This sequence change replaces glutamic acid, which is acidic and polar, with glycine, which is neutral and non-polar, at codon 694 of the NIPBL protein (p.Glu694Gly). This variant is present in population databases (rs144812404, gnomAD 0.009%). This variant has not been reported in the literature in individuals affected with NIPBL-related conditions. ClinVar contains an entry for this variant (Variation ID: 286332). Invitae Evidence Modeling of protein sequence and biophysical properties (such as structural, functional, and spatial information, amino acid conservation, physicochemical variation, residue mobility, and thermodynamic stability) has been performed for this missense variant. However, the output from this modeling did not meet the statistical confidence thresholds required to predict the impact of this variant on NIPBL protein function. In summary, the available evidence is currently insufficient to determine the role of this variant in disease. Therefore, it has been classified as a Variant of Uncertain Significance.

Eurofins Ntd Llc (ga)
Classification: Uncertain significance. Last evaluated: 2016-02-16. Review status: criteria provided, single submitter. Criteria: EGL Classification Definitions 2015. Collection method: clinical testing. Allele origin: germline. Observed: 1 variant allele, 1 heterozygote.

NM_133433.4(NIPBL):c.2081A>G (p.Glu694Gly)

Gene: NIPBL (NIPBL cohesin loading factor; plus strand). Cytogenetic location: 5p13.2.
Variant type: single nucleotide variant.
Coding change: c.2081A>G on transcript NM_133433.4 (MANE Select); coding-DNA position 2081, A replaced by G.
Protein change: p.Glu694Gly; replaces glutamic acid 694 with glycine.
Molecular consequence: missense variant.
Genome position (GRCh38, 1-based): chr5:36,985,261, A>G. VCF-style: chr5-36985261-A-G. GRCh37 (hg19) VCF-style: chr5-36985363-A-G.
Other names: c.2081A>G, p.Glu694Gly (NM_015384.5); short protein forms E694G.
Identifiers: ClinVar variation 286332 (VCV000286332.11), dbSNP rs144812404, ClinGen allele CA3236119.